The following is an entry in ClinVar:

NM_000038.6(APC):c.6754C>G (p.Pro2252Ala)

Gene: APC (APC regulator of Wnt signaling pathway; plus strand). Cytogenetic location: 5q22.2.
Variant type: single nucleotide variant.
Coding change: c.6754C>G on transcript NM_000038.6 (MANE Select); coding-DNA position 6754, C replaced by G.
Protein change: p.Pro2252Ala; replaces proline 2252 with alanine.
Molecular consequence: missense variant.
Genome position (GRCh38, 1-based): chr5:112,842,348, C>G. VCF-style: chr5-112842348-C-G. GRCh37 (hg19) VCF-style: chr5-112178045-C-G.
Other names: c.6754C>G, p.Pro2252Ala (NM_001127510.3, NM_001354895.2); c.6700C>G, p.Pro2234Ala (NM_001127511.3); c.6808C>G, p.Pro2270Ala (NM_001354896.2); c.6784C>G, p.Pro2262Ala (NM_001354897.2); c.6679C>G, p.Pro2227Ala (NM_001354898.2); c.6670C>G, p.Pro2224Ala (NM_001354899.2); c.6631C>G, p.Pro2211Ala (NM_001354900.2); c.6577C>G, p.Pro2193Ala (NM_001354901.2); and 6 more; short protein forms P2234A, P2252A, P2126A, P2161A, P2227A, P2262A, P2092A, P2151A.
Identifiers: ClinVar variation 133520 (VCV000133520.16), dbSNP rs587778035, ClinGen allele CA012481.

ClinVar aggregate classification (germline): Conflicting classifications of pathogenicity. Review status: criteria provided, conflicting classifications (1 of 4 stars). 6 submissions from 6 submitters: Uncertain significance (3); Benign (1); Likely benign (1). 1 of the submissions does not count toward it. Last evaluated 2026-01-10.

Conditions:
Familial adenomatous polyposis 1 (FAP1). Also called: FAMILIAL ADENOMATOUS POLYPOSIS 1, ATTENUATED; POLYPOSIS, ADENOMATOUS INTESTINAL. Identifiers: MedGen C2713442, MONDO:0021056, OMIM 175100. Disease mechanism: loss of function.
Hereditary cancer-predisposing syndrome. Also called: Tumor predisposition; Hereditary neoplastic syndrome; Neoplastic Syndromes, Hereditary; Hereditary Cancer Syndrome. Identifiers: Orphanet 140162, MedGen C0027672, MeSH D009386, MONDO:0015356.

Allele frequency attached by ClinVar (database versions not stated): gnomAD exomes below 0.00001 and 0.00001; ExAC 0.00001.
gnomAD v4.1: 2 of 1,613,966 alleles (0.00012%); highest among the groups gnomAD compares: East Asian, 0.0045%; no homozygotes.

Submissions (6):

Labcorp Genetics (formerly Invitae), Labcorp
Classification: Uncertain significance for Familial adenomatous polyposis 1. Last evaluated: 2026-01-10. Review status: criteria provided, single submitter. Criteria: Invitae Variant Classification Sherloc (09022015). Collection method: clinical testing. Allele origin: germline.
Comment: This sequence change replaces proline, which is neutral and non-polar, with alanine, which is neutral and non-polar, at codon 2252 of the APC protein (p.Pro2252Ala). This variant is present in population databases (rs587778035, gnomAD 0.01%). This variant has not been reported in the literature in individuals affected with APC-related conditions. ClinVar contains an entry for this variant (Variation ID: 133520). Invitae Evidence Modeling of protein sequence and biophysical properties (such as structural, functional, and spatial information, amino acid conservation, physicochemical variation, residue mobility, and thermodynamic stability) indicates that this missense variant is not expected to disrupt APC protein function with a negative predictive value of 95%. In summary, the available evidence is currently insufficient to determine the role of this variant in disease. Therefore, it has been classified as a Variant of Uncertain Significance.

Quest Diagnostics Nichols Institute San Juan Capistrano
Classification: Uncertain significance. Last evaluated: 2025-07-09. Review status: criteria provided, single submitter. Criteria: Quest Diagnostics criteria. Collection method: clinical testing. Allele origin: unknown.
Comment: The APC c.6754C>G (p.Pro2252Ala) variant has been reported in the published literature in an individual with Primary hyperparathyroidism (PMID: 35586626 (2022)) and in reportedly unaffected individuals (PMID: 36243179 (2022)). The frequency of this variant in the general population (Genome Aggregation Database) is uninformative in the assessment of its pathogenicity. Analysis of this variant using bioinformatics tools for the prediction of the effect of amino acid changes on protein structure and function yielded predictions that this variant is benign. Based on the available information, we are unable to determine the clinical significance of this variant.

Center for Genomic Medicine, Rigshospitalet, Copenhagen University Hospital
Classification: Likely benign. Last evaluated: 2025-03-04. Review status: criteria provided, single submitter. Criteria: ACMG Guidelines, 2015. Collection method: clinical testing. Allele origin: germline.

Ambry Genetics
Classification: Benign for Hereditary cancer-predisposing syndrome. Last evaluated: 2025-01-31. Review status: criteria provided, single submitter. Criteria: Ambry Variant Classification Scheme 2023. Collection method: clinical testing. Allele origin: germline.

Women's Health and Genetics/Laboratory Corporation of America, LabCorp
Classification: Uncertain significance. Last evaluated: 2024-04-23. Review status: criteria provided, single submitter. Criteria: LabCorp Variant Classification Summary - May 2015. Collection method: clinical testing. Allele origin: germline.
Comment: Variant summary: APC c.6754C>G (p.Pro2252Ala) results in a non-conservative amino acid change located in the Adenomatous polyposis coli protein basic domain (IPR009234) of the encoded protein sequence. Three of five in-silico tools predict a benign effect of the variant on protein function. The variant allele was found at a frequency of 8e-06 in 250950 control chromosomes. The available data on variant occurrences in the general population are insufficient to allow any conclusion about variant significance. c.6754C>G has been reported in the literature in individuals affected with primary hyperparathyroidism and Biliary tract cancer, without strong evidence for causality (example, Okawa_2023, Park_2022). These report(s) do not provide unequivocal conclusions about association of the variant with Colorectal Cancer Risk. To our knowledge, no experimental evidence demonstrating an impact on protein function has been reported. The following publications have been ascertained in the context of this evaluation (PMID: 36243179, 35586626). ClinVar contains an entry for this variant (Variation ID: 133520). Based on the evidence outlined above, the variant was classified as uncertain significance.

ITMI
No classification provided. Condition: AllHighlyPenetrant. Last evaluated: 2013-09-19. Review status: no classification provided. Collection method: reference population. Allele origin: germline. Not counted in ClinVar's aggregate classification.
Comment: Please see associated publication for description of ethnicities

Literature cited by the submitters: PubMed 36243179 (cited by Quest Diagnostics Nichols Institute San Juan Capistrano and Women's Health and Genetics/Laboratory Corporation of America, LabCorp); PubMed 35586626 (cited by Quest Diagnostics Nichols Institute San Juan Capistrano and Women's Health and Genetics/Laboratory Corporation of America, LabCorp); PubMed 24728327 (cited by ITMI).